The following is an entry in ClinVar:

ClinVar aggregate classification (germline): Benign. Review status: criteria provided, multiple submitters, no conflicts (2 of 4 stars). 2 submissions from 2 submitters: Benign (2). Last evaluated 2018-06-14.

Allele frequency attached by ClinVar (database versions not stated): 1000 Genomes Project 30x 0.26749; 1000 Genomes Project 0.26857; gnomAD exomes 0.28549; ExAC 0.28852; TOPMed 0.31015; gnomAD 0.31170 and 0.31643; ESP Exome Variant Server 0.31910.
gnomAD v4.1: 458,183 of 1,508,384 alleles (30%); highest among the groups gnomAD compares: Middle Eastern, 35%; 71,359 homozygotes.

Submissions (2):

GeneDx
Classification: Benign. Last evaluated: 2018-06-14. Review status: criteria provided, single submitter. Criteria: GeneDx Variant Classification (06012015). Collection method: clinical testing. Allele origin: germline. Affected: yes.
Comment: This variant is considered likely benign or benign based on one or more of the following criteria: it is a conservative change, it occurs at a poorly conserved position in the protein, it is predicted to be benign by multiple in silico algorithms, and/or has population frequency not consistent with disease.

Breakthrough Genomics
Classification: Benign. Review status: criteria provided, single submitter. Criteria: ACMG Guidelines, 2015. Collection method: not provided. Allele origin: germline. Inheritance: Autosomal recessive inheritance. Affected: yes.

NM_001351169.2(NT5C2):c.1211+36C>T

Gene: NT5C2 (5'-nucleotidase, cytosolic II; minus strand). Cytogenetic location: 10q24.32.
Variant type: single nucleotide variant.
Coding change: c.1211+36C>T on transcript NM_001351169.2 (MANE Select); 36 bases into the intron after coding-DNA position 1211, C replaced by T.
Molecular consequence: intron variant.
Genome position (GRCh38, 1-based): chr10:103,091,528, G>A on the plus strand (C>T on the coding strand, the complement: NT5C2 is on the minus strand). VCF-style: chr10-103091528-G-A. GRCh37 (hg19) VCF-style: chr10-104851285-G-A.
Other names: c.1124+36C>T (NM_001351174.1); c.638+36C>T (NM_001351191.1, NM_001351192.1, NM_001351193.1 and 16 more transcripts); c.497+36C>T (NM_001351194.2, NM_001351195.2, NM_001351196.2); c.1211+36C>T (NM_001134373.3, NM_012229.5); c.1235+36C>T (NM_001351170.2, NM_001351171.2, NM_001351172.2 and 1 more transcripts); c.1118+36C>T (NM_001351175.2).
Identifiers: ClinVar variation 667762 (VCV000667762.2), dbSNP rs10883830, ClinGen allele CA5670824.